The following is an entry in ClinVar:

NM_006231.4(POLE):c.2334G>T (p.Lys778Asn)

Gene: POLE (DNA polymerase epsilon, catalytic subunit; minus strand). Cytogenetic location: 12q24.33.
Variant type: single nucleotide variant.
Coding change: c.2334G>T on transcript NM_006231.4 (MANE Select); coding-DNA position 2334, G replaced by T.
Protein change: p.Lys778Asn; replaces lysine 778 with asparagine.
Molecular consequence: missense variant.
Genome position (GRCh38, 1-based): chr12:132,665,436, C>A on the plus strand (G>T on the coding strand, the complement: POLE is on the minus strand). VCF-style: chr12-132665436-C-A. GRCh37 (hg19) VCF-style: chr12-133242022-C-A.
Other names: short protein forms K778N.
Identifiers: ClinVar variation 4141159 (VCV004141159.1).

ClinVar aggregate classification (germline): Uncertain significance (1 of 4 stars; one submission).

Conditions:
Hereditary cancer-predisposing syndrome. Also called: Hereditary neoplastic syndrome; Neoplastic Syndromes, Hereditary; Tumor predisposition; Hereditary Cancer Syndrome. Identifiers: Orphanet 140162, MedGen C0027672, MeSH D009386, MONDO:0015356.

Submission:

Ambry Genetics
Classification: Uncertain significance for Hereditary cancer-predisposing syndrome. Last evaluated: 2025-07-12. Review status: criteria provided, single submitter. Criteria: Ambry Variant Classification Scheme 2023. Collection method: clinical testing. Allele origin: germline.
Comment: The p.K778N variant (also known as c.2334G>T), located in coding exon 21 of the POLE gene, results from a G to T substitution at nucleotide position 2334. The lysine at codon 778 is replaced by asparagine, an amino acid with similar properties. This amino acid position is conserved. In addition, this alteration is predicted to be tolerated by in silico analysis. Based on the available evidence, the clinical significance of this variant remains unclear.